The following is an entry in ClinVar:

NM_015559.3:c.(540+1_541-1)_(4171+1_4172-1)dup

Gene: SETBP1 (SET binding protein 1; plus strand).
Variant type: Duplication.
Other names: c.(540+1_541-1)_(4171+1_4172-1)dup (NM_015559.3).
Identifiers: ClinVar variation 4056344 (VCV004056344.1).

ClinVar aggregate classification (germline): Uncertain significance (1 of 4 stars; one submission).

Conditions:
Intellectual developmental disorder, autosomal dominant 29. Also called: Intellectual disability, autosomal dominant 29; SETBP1 Haploinsufficiency Disorder. Identifiers: Orphanet 436151, MedGen C4015141, MONDO:0014482, OMIM 616078.

Submission:

Institute of Human Genetics, University of Leipzig Medical Center
Classification: Uncertain significance for Intellectual developmental disorder, autosomal dominant 29. Last evaluated: 2025-06-17. Review status: criteria provided, single submitter. Criteria: ACMG Guidelines, 2015. Collection method: clinical testing. Allele origin: maternal. Inheritance: Autosomal dominant inheritance. Affected: yes.
Comment: Criteria applied: PM2,PM4